The following is an entry in ClinVar:

NC_012920.1(MT-ND2):m.4732A>G

Gene: MT-ND2 (mitochondrially encoded NADH dehydrogenase 2; plus strand).
Variant type: single nucleotide variant.
Genome position: chrM-4732-A-G.
Identifiers: ClinVar variation 692491 (VCV000692491.1), dbSNP rs201854167, ClinGen allele CA337096947.

ClinVar aggregate classification (germline): Benign (1 of 4 stars; one submission).

Conditions:
Leigh syndrome (NULS). Also called: Leigh's necrotizing encephalopathy; Leigh's disease; Leigh Syndrome (mtDNA deletion); Leigh Disease; Subacute necrotizing encephalopathy; Necrotizing encephalopathy infantile subacute of Leigh. Identifiers: Orphanet 506, MedGen C2931891, MONDO:0009723, OMIM 256000.

Submission:

Wong Mito Lab, Molecular and Human Genetics, Baylor College of Medicine
Classification: Benign for Leigh syndrome. Last evaluated: 2019-10-17. Review status: criteria provided, single submitter. Criteria: Modified ACMG Guidelines (Unpublished). Collection method: clinical testing. Allele origin: germline.
Comment: The NC_012920.1:m.4732A>G (YP_003024027.1:p.Asn88Ser) variant in MTND2 gene is interpretated to be a Benign variant based on the modified ACMG guidelines (unpublished). This variant meets the following evidence codes: BA1